The following is an entry in ClinVar:

ClinVar aggregate classification (germline): Likely pathogenic (1 of 4 stars; one submission).

Submission:

GeneDx
Classification: Likely pathogenic. Last evaluated: 2025-05-07. Review status: criteria provided, single submitter. Criteria: GeneDx Variant Classification Process June 2021. Collection method: clinical testing. Allele origin: germline.
Comment: Not observed at significant frequency in large population cohorts (gnomAD); In silico analysis supports that this missense variant has a deleterious effect on protein structure/function; This variant is associated with the following publications: (PMID: 16025401, 15026783, 11479736, 11032329)

NM_001205019.2(GK):c.1232G>A (p.Arg411Gln)

Gene: GK (glycerol kinase; plus strand). Cytogenetic location: Xp21.2.
Variant type: single nucleotide variant.
Coding change: c.1232G>A on transcript NM_001205019.2 (MANE Select); coding-DNA position 1232, G replaced by A.
Protein change: p.Arg411Gln; replaces arginine 411 with glutamine.
Molecular consequence: missense variant. On other transcripts: non-coding transcript variant (7).
Genome position (GRCh38, 1-based): chrX:30,720,091, G>A. VCF-style: chrX-30720091-G-A. GRCh37 (hg19) VCF-style: chrX-30738208-G-A.
Other names: c.1214G>A, p.Arg405Gln (NM_000167.6, NM_001128127.3); c.1298G>A, p.Arg433Gln (NM_001399987.1); c.1232G>A, p.Arg411Gln (NM_203391.4); short protein forms R405Q, R411Q, R433Q.
Identifiers: ClinVar variation 3252691 (VCV003252691.2), dbSNP rs2519351408.
Genomic context (GRCh38, chrX:30,720,091, plus strand): 5'-AGTTCACCAATAAATGCCATATTGCTTTTGCTGCATTAGAAGCTGTTTGTTTCCAAACTC[G>A]AGAGGTAACAAATATGGGCCTGTTTTCTTGTACTTAGTTCACTTTTATCACTCTTAAGTT-3'
Protein context (NP_001191948.1, residues 401-421): AALEAVCFQT[Arg411Gln]EILDAMNRDC